The following is an entry in ClinVar:

ClinVar aggregate classification (germline): Likely benign. Review status: criteria provided, single submitter (1 of 4 stars). 2 submissions from 2 submitters: Likely benign (1). 1 of the submissions does not count toward it. Last evaluated 2024-11-19.

Conditions:
IFT172-related disorder. Also called: IFT172-related disorders; IFT172-related condition.
Short-rib thoracic dysplasia 10 with or without polydactyly (SRTD10). Identifiers: Orphanet 474, MedGen C3810175, MONDO:0014284, OMIM 615630.
Retinitis pigmentosa 71 (RP71). Identifiers: Orphanet 791, MedGen C4225342, MONDO:0014618, OMIM 616394.

gnomAD v4.1: 4 of 1,614,064 alleles (0.00025%); highest among the groups gnomAD compares: Non-Finnish European, 0.00034%; no homozygotes.

Submissions (2):

Labcorp Genetics (formerly Invitae), Labcorp
Classification: Likely benign for Retinitis pigmentosa 71; Short-rib thoracic dysplasia 10 with or without polydactyly. Last evaluated: 2024-11-19. Review status: criteria provided, single submitter. Criteria: Invitae Variant Classification Sherloc (09022015). Collection method: clinical testing. Allele origin: germline.

PreventionGenetics, part of Exact Sciences
Classification: Likely benign for IFT172-related condition. Last evaluated: 2022-08-02. Review status: no assertion criteria provided. Collection method: clinical testing. Allele origin: germline. Not counted in ClinVar's aggregate classification.
Comment: This variant is classified as likely benign based on ACMG/AMP sequence variant interpretation guidelines (Richards et al. 2015 PMID: 25741868, with internal and published modifications).

NM_015662.3(IFT172):c.468G>A (p.Val156=)

Gene: IFT172 (intraflagellar transport 172; minus strand). Cytogenetic location: 2p23.3.
Variant type: single nucleotide variant.
Coding change: c.468G>A on transcript NM_015662.3 (MANE Select); coding-DNA position 468, G replaced by A.
Protein change: p.Val156=; no amino-acid change (valine 156 retained).
Molecular consequence: synonymous variant.
Genome position (GRCh38, 1-based): chr2:27,483,594, C>T on the plus strand (G>A on the coding strand, the complement: IFT172 is on the minus strand). VCF-style: chr2-27483594-C-T. GRCh37 (hg19) VCF-style: chr2-27706461-C-T.
Other names: c.468G>A, p.Val156= (NM_001410739.1).
Identifiers: ClinVar variation 3357021 (VCV003357021.3).
Genomic context (GRCh38, chr2:27,483,594, plus strand): 5'-TTCCTAACACTTCCAGACTCTAGTGATACTACTCCTCTTTACTCACTTTGTTGTCAGGGA[C>T]ACCACGTAAGACTCTGTCCCATAGATGGTAGATGATTTATTAGTTTTGGTGTTTGCTAAA-3'
Protein context (NP_056477.1, residues 146-166): STIYGTESYV[Val156=]SLTTNCSGKG